The following is an entry in ClinVar:

ClinVar aggregate classification (germline): Uncertain significance (1 of 4 stars; one submission).

Conditions:
Neurodevelopmental disorder with epilepsy and hypoplasia of the corpus callosum. Identifiers: MedGen C4748137, MONDO:0060761, OMIM 618090.

Submission:

Diagnostics Services (NGS), CSIR - Centre For Cellular And Molecular Biology
Classification: Uncertain significance for Neurodevelopmental disorder with epilepsy and hypoplasia of the corpus callosum. Last evaluated: 2020-04-09. Review status: criteria provided, single submitter. Criteria: ACMG Guidelines, 2015. Collection method: clinical testing. Allele origin: unknown. Inheritance: Autosomal recessive inheritance. Affected: yes. Observed: 1 heterozygote.
Comment: The c.896C>T variant is not present in publicly available databases like 1000 Genomes, Exome Variant Server (EVS), Exome Aggregation Consortium (ExAC), Genome Aggregation Database (gnomAD) and dbSNP. The variant is not present in our in-house exome database. The variant was not reported to OMIM, Human Genome Mutation Database (HGMD) or ClinVar databases in any affected individuals. In-silico pathogenicity prediction programs like SIFT, PolyPhen-3, MutationTaster2, CADD etc. predicted this variant to be likely deleterious. However there are no documented functional studies to prove it. Due to lack of enough evidence the variant has been classified as uncertain significance.

NM_030650.3(LNPK):c.896C>T (p.Ala299Val)

Gene: LNPK (lunapark, ER junction formation factor; minus strand). Cytogenetic location: 2q31.1.
Variant type: single nucleotide variant.
Coding change: c.896C>T on transcript NM_030650.3 (MANE Select); coding-DNA position 896, C replaced by T.
Protein change: p.Ala299Val; replaces alanine 299 with valine.
Molecular consequence: missense variant. On other transcripts: non-coding transcript variant (1).
Genome position (GRCh38, 1-based): chr2:175,937,502, G>A on the plus strand (C>T on the coding strand, the complement: LNPK is on the minus strand). VCF-style: chr2-175937502-G-A. GRCh37 (hg19) VCF-style: chr2-176802230-G-A.
Other names: c.1094C>T, p.Ala365Val (NM_001305008.1); c.989C>T, p.Ala330Val (NM_001305009.1); c.902C>T, p.Ala301Val (NM_001305010.1); c.527C>T, p.Ala176Val (NM_001305011.2); short protein forms A365V, A176V, A301V, A330V, A299V.
Identifiers: ClinVar variation 870590 (VCV000870590.4), dbSNP rs759257720, ClinGen allele CA349696292.